The following is an entry in ClinVar:

ClinVar aggregate classification (germline): Uncertain significance (1 of 4 stars; one submission).

Conditions:
Mitochondrial complex II deficiency, nuclear type 1. Also called: SUCCINATE CoQ REDUCTASE DEFICIENCY. Identifiers: Orphanet 3208, MedGen C5700310, MONDO:0100294, OMIM 252011.
Pheochromocytoma/paraganglioma syndrome 5. Also called: Paragangliomas 5; SDHA-Related Hereditary Paraganglioma-Pheochromocytoma Syndrome. Identifiers: Orphanet 29072, MedGen C3279992, MONDO:0013602, OMIM 614165.

Submission:

Labcorp Genetics (formerly Invitae), Labcorp
Classification: Uncertain significance for Pheochromocytoma/paraganglioma syndrome 5; Mitochondrial complex II deficiency, nuclear type 1. Last evaluated: 2025-08-11. Review status: criteria provided, single submitter. Criteria: Invitae Variant Classification Sherloc (09022015). Collection method: clinical testing. Allele origin: germline.
Comment: This sequence change replaces proline, which is neutral and non-polar, with leucine, which is neutral and non-polar, at codon 483 of the SDHA protein (p.Pro483Leu). This variant is not present in population databases (gnomAD no frequency). This variant has not been reported in the literature in individuals affected with SDHA-related conditions. ClinVar contains an entry for this variant (Variation ID: 1390353). Invitae Evidence Modeling of protein sequence and biophysical properties (such as structural, functional, and spatial information, amino acid conservation, physicochemical variation, residue mobility, and thermodynamic stability) indicates that this missense variant is not expected to disrupt SDHA protein function with a negative predictive value of 95%. In summary, the available evidence is currently insufficient to determine the role of this variant in disease. Therefore, it has been classified as a Variant of Uncertain Significance.

NM_004168.4(SDHA):c.1448C>T (p.Pro483Leu)

Gene: SDHA (succinate dehydrogenase complex flavoprotein subunit A; plus strand). Cytogenetic location: 5p15.33.
Variant type: single nucleotide variant.
Coding change: c.1448C>T on transcript NM_004168.4 (MANE Select); coding-DNA position 1448, C replaced by T.
Protein change: p.Pro483Leu; replaces proline 483 with leucine.
Molecular consequence: missense variant.
Genome position (GRCh38, 1-based): chr5:240,373, C>T. VCF-style: chr5-240373-C-T. GRCh37 (hg19) VCF-style: chr5-240488-C-T.
Other names: c.1304C>T, p.Pro435Leu (NM_001294332.2); c.1448C>T, p.Pro483Leu (NM_001330758.2); short protein forms P483L, P435L.
Identifiers: ClinVar variation 1390353 (VCV001390353.6), dbSNP rs2126602519, ClinGen allele CA359014188.